The following is an entry in ClinVar:

ClinVar aggregate classification (germline): Uncertain significance. Review status: criteria provided, multiple submitters, no conflicts (2 of 4 stars). 2 submissions from 2 submitters: Uncertain significance (2). Last evaluated 2024-09-10.

Conditions:
LRPPRC-related disorder. Also called: LRPPRC-related condition.

Allele frequency attached by ClinVar (database versions not stated): gnomAD 0.00001.
gnomAD v4.1: 4 of 1,601,616 alleles (0.00025%); highest among the groups gnomAD compares: Admixed American, 0.0033%; no homozygotes.

Submissions (2):

Blueprint Genetics
Classification: Uncertain significance. Last evaluated: 2024-09-10. Review status: criteria provided, single submitter. Criteria: ACMG Guidelines, 2015. Collection method: clinical testing. Allele origin: germline.

PreventionGenetics, part of Exact Sciences
Classification: Uncertain significance for LRPPRC-related condition. Last evaluated: 2023-02-27. Review status: criteria provided, single submitter. Criteria: ACMG Guidelines, 2015. Collection method: clinical testing. Allele origin: germline.
Comment: The LRPPRC c.1840A>G variant is predicted to result in the amino acid substitution p.Met614Val. To our knowledge, this variant has not been reported in the literature. This variant is present in 2 alleles out of 31,402 alleles in the gnomAD database. At this time, the clinical significance of this variant is uncertain due to the absence of conclusive functional and genetic evidence.

NM_133259.4(LRPPRC):c.1840A>G (p.Met614Val)

Gene: LRPPRC (leucine rich pentatricopeptide repeat containing; minus strand). Cytogenetic location: 2p21.
Variant type: single nucleotide variant.
Coding change: c.1840A>G on transcript NM_133259.4 (MANE Select); coding-DNA position 1840, A replaced by G.
Protein change: p.Met614Val; replaces methionine 614 with valine.
Molecular consequence: missense variant.
Genome position (GRCh38, 1-based): chr2:43,948,414, T>C on the plus strand (A>G on the coding strand, the complement: LRPPRC is on the minus strand). VCF-style: chr2-43948414-T-C. GRCh37 (hg19) VCF-style: chr2-44175553-T-C.
Other names: short protein forms M614V.
Identifiers: ClinVar variation 2634497 (VCV002634497.2), dbSNP rs1458029415, ClinGen allele CA346676274.
Genomic context (GRCh38, chr2:43,948,414, plus strand): 5'-ATCTAATAGATACATGTCAGGCAGGACAGGCATTATATAGCAAAAAACGAAATGGTACCA[T>C]CTTCTCCAGCTGATGGAAGTATTGTCTCAAATGCTCCTCCTTGGCCTGTACCTCTGAGTC-3'
Protein context (NP_573566.2, residues 604-624): LRQYFHQLEK[Met614Val]NVKIPENIYR